The following is an entry in ClinVar:

NM_000038.6(APC):c.1406T>A (p.Leu469Gln)

Gene: APC (APC regulator of Wnt signaling pathway; plus strand). Cytogenetic location: 5q22.2.
Variant type: single nucleotide variant.
Coding change: c.1406T>A on transcript NM_000038.6 (MANE Select); coding-DNA position 1406, T replaced by A.
Protein change: p.Leu469Gln; replaces leucine 469 with glutamine.
Molecular consequence: missense variant.
Genome position (GRCh38, 1-based): chr5:112,821,989, T>A. VCF-style: chr5-112821989-T-A. GRCh37 (hg19) VCF-style: chr5-112157686-T-A.
Other names: c.1406T>A, p.Leu469Gln (NM_001127510.3, NM_001354895.2, NM_001354896.2); c.1352T>A, p.Leu451Gln (NM_001127511.3); c.1436T>A, p.Leu479Gln (NM_001354897.2); c.1331T>A, p.Leu444Gln (NM_001354898.2); c.1322T>A, p.Leu441Gln (NM_001354899.2); c.1229T>A, p.Leu410Gln (NM_001354900.2, NM_001354901.2); c.1133T>A, p.Leu378Gln (NM_001354902.2); c.1103T>A, p.Leu368Gln (NM_001354903.2); and 4 more; short protein forms L368Q, L444Q, L451Q, L479Q, L186Q, L309Q, L378Q, L469Q.
Identifiers: ClinVar variation 1441963 (VCV001441963.7), dbSNP rs2149792856, ClinGen allele CA16024388.

ClinVar aggregate classification (germline): Uncertain significance. Review status: criteria provided, multiple submitters, no conflicts (2 of 4 stars). 2 submissions from 2 submitters: Uncertain significance (2). Last evaluated 2026-04-16.

Conditions:
Familial adenomatous polyposis 1 (FAP1). Also called: FAMILIAL ADENOMATOUS POLYPOSIS 1, ATTENUATED; POLYPOSIS, ADENOMATOUS INTESTINAL. Identifiers: MedGen C2713442, MONDO:0021056, OMIM 175100. Disease mechanism: loss of function.
Hereditary cancer-predisposing syndrome. Also called: Tumor predisposition; Neoplastic Syndromes, Hereditary; Hereditary Cancer Syndrome; Hereditary neoplastic syndrome. Identifiers: Orphanet 140162, MedGen C0027672, MeSH D009386, MONDO:0015356.

Submissions (2):

Ambry Genetics
Classification: Uncertain significance for Hereditary cancer-predisposing syndrome. Last evaluated: 2026-04-16. Review status: criteria provided, single submitter. Criteria: Ambry Variant Classification Scheme 2023. Collection method: clinical testing. Allele origin: germline.

Labcorp Genetics (formerly Invitae), Labcorp
Classification: Uncertain significance for Familial adenomatous polyposis 1. Last evaluated: 2021-07-29. Review status: criteria provided, single submitter. Criteria: Invitae Variant Classification Sherloc (09022015). Collection method: clinical testing. Allele origin: germline.
Comment: Algorithms developed to predict the effect of missense changes on protein structure and function are either unavailable or do not agree on the potential impact of this missense change (SIFT: "Deleterious"; PolyPhen-2: "Probably Damaging"; Align-GVGD: "Class C0"). In summary, the available evidence is currently insufficient to determine the role of this variant in disease. Therefore, it has been classified as a Variant of Uncertain Significance. This variant has not been reported in the literature in individuals affected with APC-related conditions. This variant is not present in population databases (ExAC no frequency). This sequence change replaces leucine with glutamine at codon 469 of the APC protein (p.Leu469Gln). The leucine residue is highly conserved and there is a moderate physicochemical difference between leucine and glutamine.